The following is an entry in ClinVar:

ClinVar aggregate classification (germline): Uncertain significance (1 of 4 stars; one submission).

Conditions:
Cardiomyopathy (CMYO). Also called: Cardiomyopathies. Identifiers: Orphanet 167848, MedGen C0878544, MONDO:0004994, HP:0001638. Inheritance: Various modes of inheritance.

Allele frequency attached by ClinVar (database versions not stated): gnomAD exomes below 0.00001.

Submission:

Color Diagnostics, LLC DBA Color Health
Classification: Uncertain significance for Cardiomyopathy. Last evaluated: 2024-03-06. Review status: criteria provided, single submitter. Criteria: ACMG Guidelines, 2015. Collection method: clinical testing. Allele origin: germline.
Comment: This missense variant replaces methionine with lysine at codon 1229 of the MYBPC3 protein. Computational prediction is inconclusive regarding the impact of this variant on protein structure and function (internally defined REVEL score threshold 0.5 < inconclusive < 0.7, PMID: 27666373). Splice site prediction tools suggest that this variant may not impact RNA splicing. To our knowledge, functional studies have not been performed for this variant. This variant has not been reported in individuals affected with cardiovascular disorders in the literature. This variant has not been identified in the general population by the Genome Aggregation Database (gnomAD). The available evidence is insufficient to determine the role of this variant in disease conclusively. Therefore, this variant is classified as a Variant of Uncertain Significance.

NM_000256.3(MYBPC3):c.3686T>A (p.Met1229Lys)

Gene: MYBPC3 (myosin binding protein C3; minus strand). Cytogenetic location: 11p11.2.
Variant type: single nucleotide variant.
Coding change: c.3686T>A on transcript NM_000256.3 (MANE Select); coding-DNA position 3686, T replaced by A.
Protein change: p.Met1229Lys; replaces methionine 1229 with lysine.
Molecular consequence: missense variant.
Genome position (GRCh38, 1-based): chr11:47,332,200, A>T on the plus strand (T>A on the coding strand, the complement: MYBPC3 is on the minus strand). VCF-style: chr11-47332200-A-T. GRCh37 (hg19) VCF-style: chr11-47353751-A-T.
Other names: short protein forms M1229K.
Identifiers: ClinVar variation 924401 (VCV000924401.4), dbSNP rs2095877823, ClinGen allele CA380311456.